The following is an entry in ClinVar:

NM_001543.5(NDST1):c.760G>A (p.Ala254Thr)

Gene: NDST1 (N-deacetylase and N-sulfotransferase 1; plus strand). Cytogenetic location: 5q33.1.
Variant type: single nucleotide variant.
Coding change: c.760G>A on transcript NM_001543.5 (MANE Select); coding-DNA position 760, G replaced by A.
Protein change: p.Ala254Thr; replaces alanine 254 with threonine.
Molecular consequence: missense variant.
Genome position (GRCh38, 1-based): chr5:150,528,050, G>A. VCF-style: chr5-150528050-G-A. GRCh37 (hg19) VCF-style: chr5-149907612-G-A.
Other names: c.760G>A, p.Ala254Thr (NM_001301063.2); short protein forms A254T.
Identifiers: ClinVar variation 723829 (VCV000723829.7), dbSNP rs146548363, ClinGen allele CA3512481.

ClinVar aggregate classification (germline): Conflicting classifications of pathogenicity. Review status: criteria provided, conflicting classifications (1 of 4 stars). 2 submissions from 2 submitters: Uncertain significance (1); Likely benign (1). Last evaluated 2025-08-19.

Allele frequency attached by ClinVar (database versions not stated): gnomAD exomes 0.00007 and 0.00018; ExAC 0.00020; 1000 Genomes Project 0.00060; 1000 Genomes Project 30x 0.00062; gnomAD 0.00074 and 0.00083; ESP Exome Variant Server 0.00077; TOPMed 0.00084.
gnomAD v4.1: 212 of 1,613,538 alleles (0.013%); highest among the groups gnomAD compares: African/African-American, 0.25%; no homozygotes.

Submissions (2):

Labcorp Genetics (formerly Invitae), Labcorp
Classification: Likely benign. Last evaluated: 2025-08-19. Review status: criteria provided, single submitter. Criteria: Invitae Variant Classification Sherloc (09022015). Collection method: clinical testing. Allele origin: germline.

GeneDx
Classification: Uncertain significance. Last evaluated: 2024-05-17. Review status: criteria provided, single submitter. Criteria: GeneDx Variant Classification Process June 2021. Collection method: clinical testing. Allele origin: germline. Affected: yes.
Comment: In silico analysis indicates that this missense variant does not alter protein structure/function; Has not been previously published as pathogenic or benign to our knowledge